The following is an entry in ClinVar:

NM_144596.4(TTC8):c.1276AAC[5] (p.Asn429dup)

Gene: TTC8 (tetratricopeptide repeat domain 8; plus strand). Cytogenetic location: 14q31.3.
Variant type: Microsatellite.
Coding change: c.1276AAC[5] on transcript NM_144596.4 (MANE Select); five copies in a row of the 3-base unit AAC starting at c.1276; the reference has four copies in a row; one copy, 3 bases duplicated.
Protein change: p.Asn429dup; duplicates asparagine 429.
Molecular consequence: inframe insertion. On other transcripts: non-coding transcript variant (1).
Genome position (GRCh38, 1-based): chr14:88,872,390-88,872,392, AAC duplicated; duplicating any 3 consecutive bases within chr14:88,872,380-88,872,392 gives the same sequence; the position shown is the placement nearest the transcript's 3' end. VCF-style (leftmost placement, unchanged base first): chr14-88872379-T-TCAA. GRCh37 (hg19) VCF-style: chr14-89338723-T-TCAA.
Other names: c.1255_1257dup (NM_198309.3); c.1324AAC[5], p.Asn445dup (NM_001288781.1); c.682AAC[5], p.Asn231dup (NM_001288782.1); c.559AAC[5], p.Asn190dup (NM_001288783.1); c.1246AAC[5], p.Asn419dup (NM_001366535.2, NM_198309.3); c.1156AAC[5], p.Asn389dup (NM_001366536.2, NM_198310.3); c.1285_1287dupAAC (NM_144596.3).
Identifiers: ClinVar variation 971712 (VCV000971712.8), dbSNP rs750442302, ClinGen allele CA919473549.

ClinVar aggregate classification (germline): Uncertain significance. Review status: criteria provided, single submitter (1 of 4 stars). 2 submissions from 2 submitters: Uncertain significance (1). 1 of the submissions does not count toward it. Last evaluated 2021-08-27.

Conditions:
TTC8-related disorder. Also called: TTC8-related condition.
Bardet-Biedl syndrome (BBS). Identifiers: Orphanet 110, MedGen C0752166, MONDO:0015229.

Submissions (2):

Labcorp Genetics (formerly Invitae), Labcorp
Classification: Uncertain significance for Bardet-Biedl syndrome. Last evaluated: 2021-08-27. Review status: criteria provided, single submitter. Criteria: Invitae Variant Classification Sherloc (09022015). Collection method: clinical testing. Allele origin: germline.
Comment: This variant, c.1255_1257dup, results in the insertion of 1 amino acid(s) to the TTC8 protein (p.Asn419dup), but otherwise preserves the integrity of the reading frame. This variant is not present in population databases (ExAC no frequency). This variant has not been reported in the literature in individuals affected with TTC8-related conditions. Experimental studies and prediction algorithms are not available or were not evaluated, and the functional significance of this variant is currently unknown. In summary, the available evidence is currently insufficient to determine the role of this variant in disease. Therefore, it has been classified as a Variant of Uncertain Significance.

PreventionGenetics, part of Exact Sciences
Classification: Uncertain significance for TTC8-related condition. Last evaluated: 2024-03-22. Review status: no assertion criteria provided. Collection method: clinical testing. Allele origin: germline. Not counted in ClinVar's aggregate classification.
Comment: The TTC8 c.1285_1287dupAAC variant is predicted to result in an in-frame duplication (p.Asn429dup). To our knowledge, this variant has not been reported in the literature. This variant is reported in 0.0062% of alleles in individuals of African descent in gnomAD. At this time, the clinical significance of this variant is uncertain due to the absence of conclusive functional and genetic evidence.